The following is an entry in ClinVar:

ClinVar aggregate classification (germline): Benign/Likely benign. Review status: criteria provided, multiple submitters, no conflicts (2 of 4 stars). 5 submissions from 5 submitters: Benign (1); Likely benign (3). 1 of the submissions does not count toward it. Last evaluated 2025-12-15.

Conditions:
FLNA-related disorder.
Melnick-Needles syndrome (MNS). Also called: Melnick-Needles Syndrome (FLNA-MNS); MELNICK-NEEDLES OSTEODYSPLASTY; OSTEODYSPLASTY OF MELNICK AND NEEDLES. Identifiers: Orphanet 2484, MedGen C0025237, MONDO:0010650, OMIM 309350.
Frontometaphyseal dysplasia (FMD1). Identifiers: Orphanet 1826, MedGen C0265293, MONDO:0015942.
Heterotopia, periventricular, X-linked dominant (PVNH1). Also called: X-linked periventricular heterotopia; PERIVENTRICULAR NODULAR HETEROTOPIA 4; HETEROTOPIA, PERIVENTRICULAR, 1; PERIVENTRICULAR NODULAR HETEROTOPIA 1. Identifiers: Orphanet 2149, Orphanet 82004, MedGen C1848213, MONDO:0010233, OMIM 300049.
Oto-palato-digital syndrome, type II (OPD2). Also called: Otopalatodigital Syndrome Type 2 (FLNA-OPD2); FACIOPALATOOSSEOUS SYNDROME; Otopalatodigital Syndrome, Type II; OPD II SYNDROME. Identifiers: Orphanet 669, Orphanet 90652, MedGen C1844696, MONDO:0010571, OMIM 304120.
Familial thoracic aortic aneurysm and aortic dissection (TAAD). Also called: Thoracic aortic aneurysms and dissections. Identifiers: Orphanet 91387, MedGen C4707243, MONDO:0019625.

Allele frequency attached by ClinVar (database versions not stated): gnomAD 0.00003 and 0.00005; TOPMed 0.00006; ESP Exome Variant Server 0.00010; gnomAD exomes 0.00012 and 0.00027; ExAC 0.00031.
gnomAD v4.1: 137 of 1,210,642 alleles (0.011%); highest among the groups gnomAD compares: South Asian, 0.2%; no homozygotes.

Submissions (5):

Labcorp Genetics (formerly Invitae), Labcorp
Classification: Benign for Oto-palato-digital syndrome, type II; Heterotopia, periventricular, X-linked dominant; Frontometaphyseal dysplasia; Melnick-Needles syndrome. Last evaluated: 2025-12-15. Review status: criteria provided, single submitter. Criteria: Invitae Variant Classification Sherloc (09022015). Collection method: clinical testing. Allele origin: germline.

Blueprint Genetics
Classification: Likely benign. Last evaluated: 2024-10-04. Review status: criteria provided, single submitter. Criteria: ACMG Guidelines, 2015. Collection method: clinical testing. Allele origin: germline.

Ambry Genetics
Classification: Likely benign for Familial thoracic aortic aneurysm and aortic dissection. Last evaluated: 2018-08-27. Review status: criteria provided, single submitter. Criteria: Ambry Variant Classification Scheme 2023. Collection method: clinical testing. Allele origin: germline.

GeneDx
Classification: Likely benign. Last evaluated: 2018-07-05. Review status: criteria provided, single submitter. Criteria: GeneDx Variant Classification Process June 2021. Collection method: clinical testing. Allele origin: germline. Affected: yes.

PreventionGenetics, part of Exact Sciences
Classification: Likely benign for FLNA-related condition. Last evaluated: 2022-04-26. Review status: no assertion criteria provided. Collection method: clinical testing. Allele origin: germline. Not counted in ClinVar's aggregate classification.
Comment: This variant is classified as likely benign based on ACMG/AMP sequence variant interpretation guidelines (Richards et al. 2015 PMID: 25741868, with internal and published modifications).

NM_001110556.2(FLNA):c.5977C>T (p.Arg1993Trp)

Gene: FLNA (filamin A; minus strand). Cytogenetic location: Xq28.
Variant type: single nucleotide variant.
Coding change: c.5977C>T on transcript NM_001110556.2 (MANE Select); coding-DNA position 5977, C replaced by T.
Protein change: p.Arg1993Trp; replaces arginine 1993 with tryptophan.
Molecular consequence: missense variant.
Genome position (GRCh38, 1-based): chrX:154,353,341, G>A on the plus strand (C>T on the coding strand, the complement: FLNA is on the minus strand). VCF-style: chrX-154353341-G-A. GRCh37 (hg19) VCF-style: chrX-153581709-G-A.
Other names: c.5953C>T, p.Arg1985Trp (NM_001456.4); c.5977C>T (NM_001110556.1); short protein forms R1985W, R1993W.
Identifiers: ClinVar variation 590240 (VCV000590240.18), dbSNP rs371616686, ClinGen allele CA10560192.